The following is an entry in ClinVar:

ClinVar aggregate classification (germline): Uncertain significance (1 of 4 stars; one submission).

Conditions:
Cardiac arrhythmia. Also called: Cardiac rhythm disease; Arrhythmia. Identifiers: MedGen C0003811, MONDO:0007263, HP:0011675.

gnomAD v4.1: 4 of 1,613,664 alleles (0.00025%); highest among the groups gnomAD compares: Non-Finnish European, 0.00025%; no homozygotes.

Submission:

Labcorp Genetics (formerly Invitae), Labcorp
Classification: Uncertain significance for Cardiac arrhythmia. Last evaluated: 2024-03-16. Review status: criteria provided, single submitter. Criteria: Invitae Variant Classification Sherloc (09022015). Collection method: clinical testing. Allele origin: germline.
Comment: This sequence change replaces arginine, which is basic and polar, with tryptophan, which is neutral and slightly polar, at codon 59 of the RANGRF protein (p.Arg59Trp). This variant is not present in population databases (gnomAD no frequency). This variant has not been reported in the literature in individuals affected with RANGRF-related conditions. An algorithm developed to predict the effect of missense changes on protein structure and function (PolyPhen-2) suggests that this variant is likely to be disruptive. In summary, the available evidence is currently insufficient to determine the role of this variant in disease. Therefore, it has been classified as a Variant of Uncertain Significance.

NM_016492.5(RANGRF):c.175C>T (p.Arg59Trp)

Genes: RANGRF (RAN guanine nucleotide release factor; plus strand), SLC25A35 (solute carrier family 25 member 35; minus strand). Cytogenetic location: 17p13.1.
Variant type: single nucleotide variant.
Coding change: c.175C>T on transcript NM_016492.5 (MANE Select); coding-DNA position 175, C replaced by T.
Protein change: p.Arg59Trp; replaces arginine 59 with tryptophan.
Molecular consequence: missense variant. On other transcripts: intron variant (1), 3 prime UTR variant (2), non-coding transcript variant (2).
Genome position (GRCh38, 1-based): chr17:8,289,053, C>T. VCF-style: chr17-8289053-C-T. GRCh37 (hg19) VCF-style: chr17-8192371-C-T.
Other names: c.*42+521G>A (NM_001320871.2); c.175C>T, p.Arg59Trp (NM_001177801.2, NM_001177802.2, NM_001330127.2); c.*430G>A (NM_001320872.2); c.*563G>A (NM_201520.3); short protein forms R59W.
Identifiers: ClinVar variation 3666911 (VCV003666911.2).
Genomic context (GRCh38, chr17:8,289,053, plus strand): 5'-TGCCATCCCGTGACGGACCAGAGCCTGATAGTGGAACTTCTCGAGCTGCAGGCCCACGTA[C>T]GGGGCGAAGCGGCTGCGCGGTGAGGGAATGGCCCCCGGCTGGCCAATGGCAGGGGCGGGG-3'
Protein context (NP_057576.2, residues 49-69): VELLELQAHV[Arg59Trp]GEAAARYHFE